The following is an entry in ClinVar:

NM_018474.6(KIZ):c.64C>T (p.Gln22Ter)

Genes: KIZ (kizuna centrosomal protein; plus strand), LOC130065507 (ATAC-STARR-seq lymphoblastoid silent region 12713; plus strand). Cytogenetic location: 20p11.23.
Variant type: single nucleotide variant.
Coding change: c.64C>T on transcript NM_018474.6 (MANE Select); coding-DNA position 64, C replaced by T.
Protein change: p.Gln22Ter; replaces glutamine 22 with a stop codon.
Molecular consequence: nonsense. On other transcripts: 5 prime UTR variant (4), missense variant (1).
Genome position (GRCh38, 1-based): chr20:21,126,179, C>T. VCF-style: chr20-21126179-C-T. GRCh37 (hg19) VCF-style: chr20-21106820-C-T.
Other names: c.-83C>T (NM_001163022.3, NM_001163023.3, NM_001352435.2); c.143C>T, p.Pro48Leu (NM_001276389.2); c.64C>T, p.Gln22Ter (NM_001352434.2); c.-323C>T (NM_001352436.2); short protein forms P48L, Q22*.
Identifiers: ClinVar variation 1441412 (VCV001441412.7), dbSNP rs988408197, ClinGen allele CA312975723.

ClinVar aggregate classification (germline): Pathogenic/Likely pathogenic. Review status: criteria provided, multiple submitters, no conflicts (2 of 4 stars). 2 submissions from 2 submitters: Pathogenic (1); Likely pathogenic (1). Last evaluated 2024-07-08.

Conditions:
KIZ-related disorder. Also called: KIZ-related condition.

Allele frequency attached by ClinVar (database versions not stated): gnomAD 0.00001.
gnomAD v4.1: 3 of 1,497,636 alleles (0.0002%); highest among the groups gnomAD compares: Non-Finnish European, 0.00027%; no homozygotes.

Submissions (2):

Labcorp Genetics (formerly Invitae), Labcorp
Classification: Pathogenic. Last evaluated: 2024-07-08. Review status: criteria provided, single submitter. Criteria: Invitae Variant Classification Sherloc (09022015). Collection method: clinical testing. Allele origin: germline.
Comment: This sequence change creates a premature translational stop signal (p.Gln22*) in the KIZ gene. It is expected to result in an absent or disrupted protein product. Loss-of-function variants in KIZ are known to be pathogenic (PMID: 24680887, 29057815). This variant is present in population databases (no rsID available, gnomAD 0.007%). This variant has not been reported in the literature in individuals affected with KIZ-related conditions. ClinVar contains an entry for this variant (Variation ID: 1441412). For these reasons, this variant has been classified as Pathogenic.

Blueprint Genetics
Classification: Likely pathogenic for KIZ-related disorders. Last evaluated: 2022-08-25. Review status: criteria provided, single submitter. Criteria: ACMG Guidelines, 2015. Collection method: clinical testing. Allele origin: germline. Affected: yes. Observed: 2 variant alleles.

Literature cited by the submitters: PubMed 24680887 (cited by Labcorp Genetics (formerly Invitae), Labcorp); PubMed 29057815 (cited by Labcorp Genetics (formerly Invitae), Labcorp).